The following is an entry in ClinVar:

ClinVar aggregate classification (germline): Uncertain significance (1 of 4 stars; one submission).

Conditions:
Kleefstra syndrome 1 (KLEFS1). Identifiers: Orphanet 261494, MedGen C0795833, MONDO:0027407, OMIM 610253.

Submission:

Labcorp Genetics (formerly Invitae), Labcorp
Classification: Uncertain significance for Kleefstra syndrome 1. Last evaluated: 2023-07-17. Review status: criteria provided, single submitter. Criteria: Invitae Variant Classification Sherloc (09022015). Collection method: clinical testing. Allele origin: germline.
Comment: ClinVar contains an entry for this variant (Variation ID: 1716085). In summary, the available evidence is currently insufficient to determine the role of this variant in disease. Therefore, it has been classified as a Variant of Uncertain Significance. Advanced modeling of protein sequence and biophysical properties (such as structural, functional, and spatial information, amino acid conservation, physicochemical variation, residue mobility, and thermodynamic stability) performed at Invitae indicates that this missense variant is not expected to disrupt EHMT1 protein function. This variant has not been reported in the literature in individuals affected with EHMT1-related conditions. This variant is not present in population databases (gnomAD no frequency). This sequence change replaces threonine, which is neutral and polar, with alanine, which is neutral and non-polar, at codon 534 of the EHMT1 protein (p.Thr534Ala).

NM_024757.5(EHMT1):c.1600A>G (p.Thr534Ala)

Genes: EHMT1 (euchromatic histone lysine methyltransferase 1; plus strand), LOC130003148 (ATAC-STARR-seq lymphoblastoid active region 29369; plus strand). Cytogenetic location: 9q34.3.
Variant type: single nucleotide variant.
Coding change: c.1600A>G on transcript NM_024757.5 (MANE Select); coding-DNA position 1600, A replaced by G.
Protein change: p.Thr534Ala; replaces threonine 534 with alanine.
Molecular consequence: missense variant.
Genome position (GRCh38, 1-based): chr9:137,762,773, A>G. VCF-style: chr9-137762773-A-G. GRCh37 (hg19) VCF-style: chr9-140657225-A-G.
Other names: c.1600A>G, p.Thr534Ala (NM_001145527.2, NM_001354611.2); c.1507A>G, p.Thr503Ala (NM_001354259.2, NM_001354612.2); c.1579A>G, p.Thr527Ala (NM_001354263.2); short protein forms T503A, T527A, T534A.
Identifiers: ClinVar variation 1716085 (VCV001716085.6), dbSNP rs2542012240, ClinGen allele CA375769467.
Genomic context (GRCh38, chr9:137,762,773, plus strand): 5'-CTCCAGGAAGTGCCTCTCTGCAGCTGCCGGATGGAAACACCGAAGAGTCGAGAGATCACC[A>G]CACTGGCCAACAACCAGTGCATGGCTACAGAGAGCGTGGACCATGAAGTAAGCACGTTTG-3'
Protein context (NP_079033.4, residues 524-544): METPKSREIT[Thr534Ala]LANNQCMATE